The following is an entry in ClinVar:

NM_020975.6(RET):c.67G>A (p.Gly23Ser)

Gene: RET (ret proto-oncogene; plus strand). Cytogenetic location: 10q11.21.
Variant type: single nucleotide variant.
Coding change: c.67G>A on transcript NM_020975.6 (MANE Select); coding-DNA position 67, G replaced by A.
Protein change: p.Gly23Ser; replaces glycine 23 with serine.
Molecular consequence: missense variant.
Genome position (GRCh38, 1-based): chr10:43,077,325, G>A. VCF-style: chr10-43077325-G-A. GRCh37 (hg19) VCF-style: chr10-43572773-G-A.
Other names: c.67G>A, p.Gly23Ser (NM_000323.2, NM_001406743.1, NM_001406744.1 and 38 more transcripts); short protein forms G23S.
Identifiers: ClinVar variation 3075550 (VCV003075550.1), dbSNP rs1198827347, ClinGen allele CA376768116.

ClinVar aggregate classification (germline): Uncertain significance (1 of 4 stars; one submission).

Conditions:
Multiple endocrine neoplasia, type 2 (MEN2). Identifiers: Orphanet 653, MedGen C4048306, MONDO:0019003. Disease mechanism: gain of function.

Submission:

All of Us Research Program, National Institutes of Health
Classification: Uncertain significance for Multiple endocrine neoplasia, type 2. Last evaluated: 2023-02-24. Review status: criteria provided, single submitter. Criteria: ACMG Guidelines, 2015. Collection method: clinical testing. Allele origin: germline. Inheritance: Autosomal dominant inheritance. Observed: 1 variant allele, 1 heterozygote.
Comment: This missense variant replaces glycine with serine at codon 23 of the RET protein. Computational prediction suggests that this variant may not impact protein structure and function (internally defined REVEL score threshold <= 0.5, PMID: 27666373). To our knowledge, functional studies have not been reported for this variant. This variant has not been reported in individuals affected with hereditary cancer in the literature. This variant has not been identified in the general population by the Genome Aggregation Database (gnomAD). The available evidence is insufficient to determine the role of this variant in disease conclusively. Therefore, this variant is classified as a Variant of Uncertain Significance.

This study involves interpretation of variants in research participants for the purpose of population health screening. Participant phenotype was not available at the time of variant classification. Additional details can be found in publication PMID: 35346344, PMCID: PMC8962531